The following is an entry in ClinVar:

ClinVar aggregate classification (germline): Pathogenic (1 of 4 stars; one submission).

Submission:

Labcorp Genetics (formerly Invitae), Labcorp
Classification: Pathogenic. Last evaluated: 2019-11-11. Review status: criteria provided, single submitter. Criteria: Invitae Variant Classification Sherloc (09022015). Collection method: clinical testing. Allele origin: germline.
Comment: This variant is an in-frame deletion of the genomic region encompassing exon 21 of the USH2A gene. It preserves the integrity of the reading frame. This variant has not been reported in the literature in individuals with USH2A-related conditions. The region of the USH2A gene that includes exon(s) 21 has been determined to be clinically significant (PMID: 18273898, 27460420). Therefore, deletions that encompass that region are likely to disrupt protein function and cause disease. For these reasons, this variant has been classified as Pathogenic.

Literature cited by the submitters: PubMed 27460420; PubMed 18273898.

NC_000001.11:g.(?_216175228)_(216175492_?)del

Gene: USH2A (usherin; minus strand). Cytogenetic location: 1q41.
Variant type: Deletion.
Identifiers: ClinVar variation 830853 (VCV000830853.1).